The following is an entry in ClinVar:

NM_005560.6(LAMA5):c.4804G>A (p.Val1602Met)

Gene: LAMA5 (laminin subunit alpha 5; minus strand). Cytogenetic location: 20q13.33.
Variant type: single nucleotide variant.
Coding change: c.4804G>A on transcript NM_005560.6 (MANE Select); coding-DNA position 4804, G replaced by A.
Protein change: p.Val1602Met; replaces valine 1602 with methionine.
Molecular consequence: missense variant.
Genome position (GRCh38, 1-based): chr20:62,327,663, C>T on the plus strand (G>A on the coding strand, the complement: LAMA5 is on the minus strand). VCF-style: chr20-62327663-C-T. GRCh37 (hg19) VCF-style: chr20-60902719-C-T.
Other names: c.4804G>A (NM_005560.3); short protein forms V1602M.
Identifiers: ClinVar variation 1470882 (VCV001470882.7), dbSNP rs762134623, ClinGen allele CA9942463.

ClinVar aggregate classification (germline): Uncertain significance. Review status: criteria provided, multiple submitters, no conflicts (2 of 4 stars). 2 submissions from 2 submitters: Uncertain significance (2). Last evaluated 2022-09-27.

Conditions:
Inborn genetic diseases. Identifiers: MedGen C0950123, MeSH D030342.

Allele frequency attached by ClinVar (database versions not stated): ExAC 0.00001; gnomAD exomes 0.00001; TOPMed below 0.00001.
gnomAD v4.1: 10 of 1,612,940 alleles (0.00062%); highest among the groups gnomAD compares: South Asian, 0.0011%; no homozygotes.

Submissions (2):

Ambry Genetics
Classification: Uncertain significance for Inborn genetic diseases. Last evaluated: 2022-09-27. Review status: criteria provided, single submitter. Criteria: Ambry Variant Classification Scheme 2023. Collection method: clinical testing. Allele origin: germline.

Labcorp Genetics (formerly Invitae), Labcorp
Classification: Uncertain significance. Last evaluated: 2022-03-02. Review status: criteria provided, single submitter. Criteria: Invitae Variant Classification Sherloc (09022015). Collection method: clinical testing. Allele origin: germline.
Comment: In summary, the available evidence is currently insufficient to determine the role of this variant in disease. Therefore, it has been classified as a Variant of Uncertain Significance. Algorithms developed to predict the effect of missense changes on protein structure and function are either unavailable or do not agree on the potential impact of this missense change (SIFT: "Deleterious"; PolyPhen-2: "Benign"; Align-GVGD: "Class C15"). This variant has not been reported in the literature in individuals affected with LAMA5-related conditions. This variant is not present in population databases (gnomAD no frequency). This sequence change replaces valine, which is neutral and non-polar, with methionine, which is neutral and non-polar, at codon 1602 of the LAMA5 protein (p.Val1602Met).